The following is an entry in ClinVar:

NM_000222.3(KIT):c.338-3T>C

Gene: KIT (KIT proto-oncogene, receptor tyrosine kinase; plus strand). Cytogenetic location: 4q12.
Variant type: single nucleotide variant.
Coding change: c.338-3T>C on transcript NM_000222.3 (MANE Select); 3 bases into the intron before coding-DNA position 338, T replaced by C.
Molecular consequence: intron variant.
Genome position (GRCh38, 1-based): chr4:54,698,281, T>C. VCF-style: chr4-54698281-T-C. GRCh37 (hg19) VCF-style: chr4-55564447-T-C.
Other names: c.338-3T>C (NM_001385284.1, NM_001385290.1, NM_001385288.1 and 4 more transcripts).
Identifiers: ClinVar variation 640869 (VCV000640869.10), dbSNP rs1577956540, ClinGen allele CA915943018.

ClinVar aggregate classification (germline): Uncertain significance. Review status: criteria provided, multiple submitters, no conflicts (2 of 4 stars). 2 submissions from 2 submitters: Uncertain significance (2). Last evaluated 2026-07-14.

Conditions:
Hereditary cancer-predisposing syndrome. Also called: Neoplastic Syndromes, Hereditary; Hereditary Cancer Syndrome; Hereditary neoplastic syndrome; Tumor predisposition. Identifiers: Orphanet 140162, MedGen C0027672, MeSH D009386, MONDO:0015356.
Gastrointestinal stromal tumor. Also called: Gastrointestinal stromal tumor, somatic; Gastrointestinal stroma tumor. Identifiers: Orphanet 44890, MedGen C0238198, MeSH D046152, MONDO:0011719, OMIM 606764, HP:0100723.

Submissions (2):

Ambry Genetics
Classification: Uncertain significance for Hereditary cancer-predisposing syndrome. Last evaluated: 2026-07-14. Review status: criteria provided, single submitter. Criteria: Ambry Variant Classification Scheme 2023. Collection method: clinical testing. Allele origin: germline.
Comment: The c.338-3T>C intronic variant results from a T to C substitution 3 nucleotides upstream from coding exon 3 in the KIT gene. This nucleotide position is not well conserved in available vertebrate species. In silico splice site analysis predicts that this alteration will not have any significant effect on splicing. Based on the available evidence, the clinical significance of this variant remains unclear.

Labcorp Genetics (formerly Invitae), Labcorp
Classification: Uncertain significance for Gastrointestinal stromal tumor. Last evaluated: 2024-10-15. Review status: criteria provided, single submitter. Criteria: Invitae Variant Classification Sherloc (09022015). Collection method: clinical testing. Allele origin: germline.
Comment: This sequence change falls in intron 2 of the KIT gene. It does not directly change the encoded amino acid sequence of the KIT protein. It affects a nucleotide within the consensus splice site. This variant is not present in population databases (gnomAD no frequency). This variant has not been reported in the literature in individuals affected with KIT-related conditions. ClinVar contains an entry for this variant (Variation ID: 640869). Variants that disrupt the consensus splice site are a relatively common cause of aberrant splicing (PMID: 17576681, 9536098). Algorithms developed to predict the effect of sequence changes on RNA splicing suggest that this variant is not likely to affect RNA splicing. In summary, the available evidence is currently insufficient to determine the role of this variant in disease. Therefore, it has been classified as a Variant of Uncertain Significance.

Literature cited by the submitters: PubMed 17576681 (cited by Labcorp Genetics (formerly Invitae), Labcorp); PubMed 9536098 (cited by Labcorp Genetics (formerly Invitae), Labcorp).